The following is an entry in ClinVar:

ClinVar aggregate classification (germline): Uncertain significance (1 of 4 stars; one submission).

gnomAD v4.1: 134 of 1,544,842 alleles (0.0087%); highest among the groups gnomAD compares: Non-Finnish European, 0.012%; no homozygotes.

Submission:

Labcorp Genetics (formerly Invitae), Labcorp
Classification: Uncertain significance. Last evaluated: 2025-05-14. Review status: criteria provided, single submitter. Criteria: Invitae Variant Classification Sherloc (09022015). Collection method: clinical testing. Allele origin: germline.
Comment: This sequence change falls in intron 17 of the ITSN2 gene. It does not directly change the encoded amino acid sequence of the ITSN2 protein. It affects a nucleotide within the consensus splice site. This variant is present in population databases (rs757400473, gnomAD 0.009%). This variant has not been reported in the literature in individuals affected with ITSN2-related conditions. Variants that disrupt the consensus splice site are a relatively common cause of aberrant splicing (PMID: 17576681, 9536098). Algorithms developed to predict the effect of sequence changes on RNA splicing suggest that this variant is not likely to affect RNA splicing. In summary, the available evidence is currently insufficient to determine the role of this variant in disease. Therefore, it has been classified as a Variant of Uncertain Significance.

Literature cited by the submitters: PubMed 17576681; PubMed 9536098.

NM_006277.3(ITSN2):c.1944+6T>C

Gene: ITSN2 (intersectin 2; minus strand). Cytogenetic location: 2p23.3.
Variant type: single nucleotide variant.
Coding change: c.1944+6T>C on transcript NM_006277.3 (MANE Select); 6 bases into the intron after coding-DNA position 1944, T replaced by C.
Molecular consequence: intron variant.
Genome position (GRCh38, 1-based): chr2:24,284,757, A>G on the plus strand (T>C on the coding strand, the complement: ITSN2 is on the minus strand). VCF-style: chr2-24284757-A-G. GRCh37 (hg19) VCF-style: chr2-24507626-A-G.
Other names: c.1863+1455T>C (NM_001348182.2, NM_019595.4, NM_001348186.2 and 1 more transcripts); c.1902+6T>C (NM_001348181.2); c.1944+6T>C (NM_147152.3, NM_001348185.2); c.1821+1455T>C (NM_001348184.2).
Identifiers: ClinVar variation 4751209 (VCV004751209.1).